The following is an entry in ClinVar:

ClinVar aggregate classification (germline): Pathogenic. Review status: criteria provided, multiple submitters, no conflicts (2 of 4 stars). 2 submissions from 2 submitters: Pathogenic (2). Last evaluated 2023-03-01.

Conditions:
Hereditary cancer-predisposing syndrome. Also called: Neoplastic Syndromes, Hereditary; Tumor predisposition; Hereditary Cancer Syndrome; Hereditary neoplastic syndrome. Identifiers: Orphanet 140162, MedGen C0027672, MeSH D009386, MONDO:0015356.
Lynch syndrome 5 (LYNCH5). Also called: Colorectal cancer, hereditary nonpolyposis, type 5; Hereditary non-polyposis colorectal cancer, type 5. Identifiers: Orphanet 144, MedGen C1833477, MONDO:0013710, OMIM 614350. Disease mechanism: loss of function.

Submissions (2):

Myriad Genetics, Inc.
Classification: Pathogenic for Lynch syndrome 5. Last evaluated: 2023-03-01. Review status: criteria provided, single submitter. Criteria: Myriad Autosomal Dominant, Autosomal Recessive and X-Linked Classification Criteria (2023). Collection method: clinical testing. Allele origin: unknown.
Comment: This variant is considered pathogenic. This variant creates a frameshift predicted to result in premature protein truncation.

Ambry Genetics
Classification: Pathogenic for Hereditary cancer-predisposing syndrome. Last evaluated: 2021-12-29. Review status: criteria provided, single submitter. Criteria: Ambry Variant Classification Scheme 2023. Collection method: clinical testing. Allele origin: germline.
Comment: The c.847_862del16 pathogenic mutation, located in coding exon 4 of the MSH6 gene, results from a deletion of 16 nucleotides at nucleotide positions 847 to 862, causing a translational frameshift with a predicted alternate stop codon (p.G283Kfs*3). This alteration is expected to result in loss of function by premature protein truncation or nonsense-mediated mRNA decay. As such, this alteration is interpreted as a disease-causing mutation.

NM_000179.3(MSH6):c.847_862del (p.Gly283fs)

Gene: MSH6 (mutS homolog 6; plus strand). Cytogenetic location: 2p16.3.
Variant type: Deletion.
Coding change: c.847_862del on transcript NM_000179.3 (MANE Select); coding-DNA positions 847 to 862, 16 bases deleted (GGGGATAGTGAGAGTG).
Protein change: p.Gly283fs; shifts the reading frame from glycine 283.
Molecular consequence: frameshift variant. On other transcripts: 5 prime UTR variant (2).
Genome position (GRCh38, 1-based): chr2:47,798,830-47,798,845, GGGGATAGTGAGAGTG deleted; deleting any 16 consecutive bases within chr2:47,798,825-47,798,845 gives the same sequence; the c. name uses the placement nearest the transcript's 3' end. VCF-style (leftmost placement, unchanged base first): chr2-47798824-GGAGTGGGGGATAGTGA-G. GRCh37 (hg19) VCF-style: chr2-48025963-GGAGTGGGGGATAGTGA-G.
Other names: c.457_472del, p.Gly153fs (NM_001281492.2); c.-60_-45del (NM_001281493.2, NM_001281494.2); c.943_958del16, p.Gly315Lysfs (NM_001406795.1, NM_001406802.1); c.847_862del16, p.Gly283Lysfs (NM_001406796.1, NM_001406798.1, NM_001406800.1 and 4 more transcripts); c.550_565del16, p.Gly184Lysfs (NM_001406797.1, NM_001406801.1, NM_001406805.1 and 10 more transcripts); c.322_337del16, p.Gly108Lysfs (NM_001406799.1, NM_001406806.1, NM_001406807.1); c.769_784del16, p.Gly257Lysfs (NM_001406804.1); c.-60_-45del16 (NM_001406811.1, NM_001406812.1, NM_001406814.1 and 4 more transcripts); and 2 more; short protein forms G283fs, G153fs.
Identifiers: ClinVar variation 1763510 (VCV001763510.3), dbSNP rs2530574017, ClinGen allele CA2580067252.